The following is an entry in ClinVar:

ClinVar aggregate classification (germline): Uncertain significance (1 of 4 stars; one submission).

Conditions:
Acrocallosal syndrome (ACLS). Also called: HALLUX DUPLICATION, POSTAXIAL POLYDACTYLY, AND ABSENCE OF CORPUS CALLOSUM; Schinzel syndrome 1; Absence of corpus callosum with unusual facial appearance, mental deficiency, duplication of the halluces and polydactyly. Identifiers: Orphanet 36, MedGen C0796147, MONDO:0008708, OMIM 200990.

Submission:

Labcorp Genetics (formerly Invitae), Labcorp
Classification: Uncertain significance for Acrocallosal syndrome. Last evaluated: 2024-04-10. Review status: criteria provided, single submitter. Criteria: Invitae Variant Classification Sherloc (09022015). Collection method: clinical testing. Allele origin: germline.
Comment: This sequence change replaces threonine, which is neutral and polar, with lysine, which is basic and polar, at codon 208 of the KIF7 protein (p.Thr208Lys). This variant is not present in population databases (gnomAD no frequency). This variant has not been reported in the literature in individuals affected with KIF7-related conditions. Advanced modeling of protein sequence and biophysical properties (such as structural, functional, and spatial information, amino acid conservation, physicochemical variation, residue mobility, and thermodynamic stability) has been performed at Invitae for this missense variant, however the output from this modeling did not meet the statistical confidence thresholds required to predict the impact of this variant on KIF7 protein function. In summary, the available evidence is currently insufficient to determine the role of this variant in disease. Therefore, it has been classified as a Variant of Uncertain Significance.

NM_198525.3(KIF7):c.623C>A (p.Thr208Lys)

Gene: KIF7 (kinesin family member 7; minus strand). Cytogenetic location: 15q26.1.
Variant type: single nucleotide variant.
Coding change: c.623C>A on transcript NM_198525.3 (MANE Select); coding-DNA position 623, C replaced by A.
Protein change: p.Thr208Lys; replaces threonine 208 with lysine.
Molecular consequence: missense variant.
Genome position (GRCh38, 1-based): chr15:89,649,274, G>T on the plus strand (C>A on the coding strand, the complement: KIF7 is on the minus strand). VCF-style: chr15-89649274-G-T. GRCh37 (hg19) VCF-style: chr15-90192505-G-T.
Other names: short protein forms T208K.
Identifiers: ClinVar variation 2889931 (VCV002889931.3), dbSNP rs886051541, ClinGen allele CA393776000.